The following is an entry in ClinVar:

NM_000360.4(TH):c.394G>C (p.Val132Leu)

Gene: TH (tyrosine hydroxylase; minus strand). Cytogenetic location: 11p15.5.
Variant type: single nucleotide variant.
Coding change: c.394G>C on transcript NM_000360.4 (MANE Select); coding-DNA position 394, G replaced by C.
Protein change: p.Val132Leu; replaces valine 132 with leucine.
Molecular consequence: missense variant.
Genome position (GRCh38, 1-based): chr11:2,168,584, C>G on the plus strand (G>C on the coding strand, the complement: TH is on the minus strand). VCF-style: chr11-2168584-C-G. GRCh37 (hg19) VCF-style: chr11-2189814-C-G.
Other names: c.487G>C, p.Val163Leu (NM_199292.3); c.475G>C, p.Val159Leu (NM_199293.3); short protein forms V132L, V159L, V163L.
Identifiers: ClinVar variation 1468475 (VCV001468475.5), dbSNP rs751702426, ClinGen allele CA216287662.

ClinVar aggregate classification (germline): Uncertain significance (1 of 4 stars; one submission).

Conditions:
TH-deficient dopa-responsive dystonia. Also called: Tyrosine Hydroxylase-Deficient Dopa-Responsive Dystonia; Segawa syndrome, autosomal recessive; DYT-TH. Identifiers: Orphanet 101150, MedGen C2673535, MONDO:0011551, OMIM 605407.

Submission:

Labcorp Genetics (formerly Invitae), Labcorp
Classification: Uncertain significance for TH-deficient dopa-responsive dystonia. Last evaluated: 2022-09-01. Review status: criteria provided, single submitter. Criteria: Invitae Variant Classification Sherloc (09022015). Collection method: clinical testing. Allele origin: germline.
Comment: This sequence change replaces valine, which is neutral and non-polar, with leucine, which is neutral and non-polar, at codon 163 of the TH protein (p.Val163Leu). This variant is present in population databases (no rsID available, gnomAD 0.0009%). This variant has not been reported in the literature in individuals affected with TH-related conditions. ClinVar contains an entry for this variant (Variation ID: 1468475). Advanced modeling of protein sequence and biophysical properties (such as structural, functional, and spatial information, amino acid conservation, physicochemical variation, residue mobility, and thermodynamic stability) performed at Invitae indicates that this missense variant is not expected to disrupt TH protein function. In summary, the available evidence is currently insufficient to determine the role of this variant in disease. Therefore, it has been classified as a Variant of Uncertain Significance.